The following is an entry in ClinVar:

NM_001567.4(INPPL1):c.1889C>A (p.Pro630His)

Gene: INPPL1 (inositol polyphosphate phosphatase like 1; plus strand). Cytogenetic location: 11q13.4.
Variant type: single nucleotide variant.
Coding change: c.1889C>A on transcript NM_001567.4 (MANE Select); coding-DNA position 1889, C replaced by A.
Protein change: p.Pro630His; replaces proline 630 with histidine.
Molecular consequence: missense variant.
Genome position (GRCh38, 1-based): chr11:72,232,912, C>A. VCF-style: chr11-72232912-C-A. GRCh37 (hg19) VCF-style: chr11-71943956-C-A.
Other names: short protein forms P630H.
Identifiers: ClinVar variation 1956621 (VCV001956621.5), dbSNP rs1426824226, ClinGen allele CA381730395.

ClinVar aggregate classification (germline): Uncertain significance (1 of 4 stars; one submission).

Submission:

Labcorp Genetics (formerly Invitae), Labcorp
Classification: Uncertain significance. Last evaluated: 2022-06-22. Review status: criteria provided, single submitter. Criteria: Invitae Variant Classification Sherloc (09022015). Collection method: clinical testing. Allele origin: germline.
Comment: This variant has not been reported in the literature in individuals affected with INPPL1-related conditions. This sequence change replaces proline, which is neutral and non-polar, with histidine, which is basic and polar, at codon 630 of the INPPL1 protein (p.Pro630His). This variant is not present in population databases (gnomAD no frequency). Algorithms developed to predict the effect of missense changes on protein structure and function are either unavailable or do not agree on the potential impact of this missense change (SIFT: "Deleterious"; PolyPhen-2: "Probably Damaging"; Align-GVGD: "Class C0"). In summary, the available evidence is currently insufficient to determine the role of this variant in disease. Therefore, it has been classified as a Variant of Uncertain Significance.